The following is an entry in ClinVar:

ClinVar aggregate classification (germline): Uncertain significance (1 of 4 stars; one submission).

Conditions:
Brachyolmia-amelogenesis imperfecta syndrome. Also called: PLATYSPONDYLY WITH AMELOGENESIS IMPERFECTA; Tooth agenesis, selective, 6; Dental anomalies and short stature. Identifiers: Orphanet 2899, MedGen C1832594, MONDO:0011018, OMIM 601216. Disease mechanism: loss of function.

Submission:

Labcorp Genetics (formerly Invitae), Labcorp
Classification: Uncertain significance for Brachyolmia-amelogenesis imperfecta syndrome. Last evaluated: 2025-12-11. Review status: criteria provided, single submitter. Criteria: Invitae Variant Classification Sherloc (09022015). Collection method: clinical testing. Allele origin: germline.
Comment: This sequence change replaces methionine, which is neutral and non-polar, with isoleucine, which is neutral and non-polar, at codon 1147 of the LTBP3 protein (p.Met1147Ile). The frequency data for this variant in the population databases is considered unreliable, as metrics indicate poor data quality at this position in the gnomAD database. This variant has not been reported in the literature in individuals affected with LTBP3-related conditions. An algorithm developed to predict the effect of missense changes on protein structure and function (PolyPhen-2) suggests that this variant is likely to be tolerated. In summary, the available evidence is currently insufficient to determine the role of this variant in disease. Therefore, it has been classified as a Variant of Uncertain Significance.

NM_001130144.3(LTBP3):c.3441G>A (p.Met1147Ile)

Gene: LTBP3 (latent transforming growth factor beta binding protein 3; minus strand). Cytogenetic location: 11q13.1.
Variant type: single nucleotide variant.
Coding change: c.3441G>A on transcript NM_001130144.3 (MANE Select); coding-DNA position 3441, G replaced by A.
Protein change: p.Met1147Ile; replaces methionine 1147 with isoleucine.
Molecular consequence: missense variant.
Genome position (GRCh38, 1-based): chr11:65,539,826, C>T on the plus strand (G>A on the coding strand, the complement: LTBP3 is on the minus strand). VCF-style: chr11-65539826-C-T. GRCh37 (hg19) VCF-style: chr11-65307297-C-T.
Other names: c.2949G>A, p.Met983Ile (NM_001164266.1); c.3300G>A, p.Met1100Ile (NM_021070.4); short protein forms M1147I, M1100I, M983I.
Identifiers: ClinVar variation 4738286 (VCV004738286.1).